The following is an entry in ClinVar:

NM_000051.4(ATM):c.7654C>T (p.His2552Tyr)

Genes: ATM (ATM serine/threonine kinase; plus strand), C11orf65 (chromosome 11 open reading frame 65; minus strand). Cytogenetic location: 11q22.3.
Variant type: single nucleotide variant.
Coding change: c.7654C>T on transcript NM_000051.4 (MANE Select); coding-DNA position 7654, C replaced by T.
Protein change: p.His2552Tyr; replaces histidine 2552 with tyrosine.
Molecular consequence: missense variant. On other transcripts: intron variant (2).
Genome position (GRCh38, 1-based): chr11:108,331,903, C>T. VCF-style: chr11-108331903-C-T. GRCh37 (hg19) VCF-style: chr11-108202630-C-T.
Other names: c.7654C>T, p.His2552Tyr (NM_001351834.2); c.641-22832G>A (NM_001330368.2); c.*38+3317G>A (NM_001351110.2); short protein forms H2552Y.
Identifiers: ClinVar variation 1464649 (VCV001464649.10), dbSNP rs786202174, ClinGen allele CA382560939.

ClinVar aggregate classification (germline): Uncertain significance. Review status: criteria provided, multiple submitters, no conflicts (2 of 4 stars). 2 submissions from 2 submitters: Uncertain significance (2). Last evaluated 2025-11-24.

Conditions:
Hereditary cancer-predisposing syndrome. Also called: Neoplastic Syndromes, Hereditary; Tumor predisposition; Hereditary Cancer Syndrome; Hereditary neoplastic syndrome. Identifiers: Orphanet 140162, MedGen C0027672, MeSH D009386, MONDO:0015356.
Ataxia-telangiectasia syndrome (AT). Also called: LOUIS-BAR SYNDROME; Cerebello-oculocutaneous telangiectasia; Immunodeficiency with ataxia telangiectasia; Ataxia telangiectasia (A-T); Ataxia-telangiectasia, complementation group D; AT, COMPLEMENTATION GROUP C. Identifiers: Orphanet 100, MedGen C0004135, MONDO:0008840, OMIM 208900.

Submissions (2):

Ambry Genetics
Classification: Uncertain significance for Hereditary cancer-predisposing syndrome. Last evaluated: 2025-11-24. Review status: criteria provided, single submitter. Criteria: Ambry Variant Classification Scheme 2023. Collection method: clinical testing. Allele origin: germline.
Comment: The p.H2552Y variant (also known as c.7654C>T), located in coding exon 51 of the ATM gene, results from a C to T substitution at nucleotide position 7654. The histidine at codon 2552 is replaced by tyrosine, an amino acid with similar properties. In an assay testing ATM function, this variant showed a functionally normal result (Lee KS et al. Cell, 2025 Sep;188:5081-5099.e27). This amino acid position is highly conserved in available vertebrate species. In addition, this alteration is predicted to be deleterious by in silico analysis. Based on the available evidence, the clinical significance of this variant remains unclear.

Labcorp Genetics (formerly Invitae), Labcorp
Classification: Uncertain significance for Ataxia-telangiectasia syndrome. Last evaluated: 2022-10-17. Review status: criteria provided, single submitter. Criteria: Invitae Variant Classification Sherloc (09022015). Collection method: clinical testing. Allele origin: germline.
Comment: This sequence change replaces histidine, which is basic and polar, with tyrosine, which is neutral and polar, at codon 2552 of the ATM protein (p.His2552Tyr). This variant is not present in population databases (gnomAD no frequency). This variant has not been reported in the literature in individuals affected with ATM-related conditions. ClinVar contains an entry for this variant (Variation ID: 1464649). Algorithms developed to predict the effect of missense changes on protein structure and function are either unavailable or do not agree on the potential impact of this missense change (SIFT: "Deleterious"; PolyPhen-2: "Benign"; Align-GVGD: "Class C65"). In summary, the available evidence is currently insufficient to determine the role of this variant in disease. Therefore, it has been classified as a Variant of Uncertain Significance.

Literature cited by the submitters: PubMed 40580951 (cited by Ambry Genetics).